The following is an entry in ClinVar:

ClinVar aggregate classification (germline): Benign (1 of 4 stars; one submission).

Allele frequency attached by ClinVar (database versions not stated): gnomAD exomes 0.00796; gnomAD 0.05839 and 0.06229; TOPMed 0.06639; 1000 Genomes Project 0.07568; 1000 Genomes Project 30x 0.07901.
gnomAD v4.1: 13,782 of 736,362 alleles (1.9%); highest among the groups gnomAD compares: African/African-American, 20%; 1,182 homozygotes.

Submission:

GeneDx
Classification: Benign. Last evaluated: 2018-06-16. Review status: criteria provided, single submitter. Criteria: GeneDx Variant Classification (06012015). Collection method: clinical testing. Allele origin: germline. Affected: yes.
Comment: This variant is considered likely benign or benign based on one or more of the following criteria: it is a conservative change, it occurs at a poorly conserved position in the protein, it is predicted to be benign by multiple in silico algorithms, and/or has population frequency not consistent with disease.

NM_018122.5(DARS2):c.1675-137A>G

Gene: DARS2 (aspartyl-tRNA synthetase 2, mitochondrial; plus strand). Cytogenetic location: 1q25.1.
Variant type: single nucleotide variant.
Coding change: c.1675-137A>G on transcript NM_018122.5 (MANE Select); 137 bases into the intron before coding-DNA position 1675, A replaced by G.
Molecular consequence: intron variant.
Genome position (GRCh38, 1-based): chr1:173,856,529, A>G. VCF-style: chr1-173856529-A-G. GRCh37 (hg19) VCF-style: chr1-173825667-A-G.
Other names: c.1522-137A>G (NM_001365212.1).
Identifiers: ClinVar variation 676332 (VCV000676332.1), dbSNP rs12078471, ClinGen allele CA15123543.
Genomic context (GRCh38, chr1:173,856,529, plus strand): 5'-CTTTTTCCCTTACTAACCTGCAAATCACTTAAGGTAATTTTTTCTTTACACTTTTCCAAT[A>G]AACTTTTATTATTGGTTAAGTCAGTTTTAGCTGTTTTAAAACTCAACTTTGTTTCCCCTT-3'